The following is an entry in ClinVar:

ClinVar aggregate classification (germline): Uncertain significance (1 of 4 stars; one submission).

Conditions:
Neuropathy, hereditary sensory and autonomic, type 2A (HSAN2A). Also called: ACROOSTEOLYSIS, GIACCAI TYPE; ACROOSTEOLYSIS, NEUROGENIC; MORVAN DISEASE; NEUROPATHY, CONGENITAL SENSORY; NEUROPATHY, HEREDITARY SENSORY RADICULAR, AUTOSOMAL RECESSIVE; NEUROPATHY, HEREDITARY SENSORY, TYPE IIA. Identifiers: Orphanet 970, MedGen C2752089, MONDO:0024309, OMIM 201300.
Pseudohypoaldosteronism type 2C (PHA2C). Also called: Pseudohypoaldosteronism Type IIC. Identifiers: Orphanet 757, Orphanet 88940, MedGen C1840391, MONDO:0013778, OMIM 614492.

Allele frequency attached by ClinVar (database versions not stated): TOPMed below 0.00001.

Submission:

Labcorp Genetics (formerly Invitae), Labcorp
Classification: Uncertain significance for Neuropathy, hereditary sensory and autonomic, type 2A; Pseudohypoaldosteronism type 2C. Last evaluated: 2023-08-04. Review status: criteria provided, single submitter. Criteria: Invitae Variant Classification Sherloc (09022015). Collection method: clinical testing. Allele origin: germline.
Comment: This variant is not present in population databases (gnomAD no frequency). In summary, the available evidence is currently insufficient to determine the role of this variant in disease. Therefore, it has been classified as a Variant of Uncertain Significance. Advanced modeling of protein sequence and biophysical properties (such as structural, functional, and spatial information, amino acid conservation, physicochemical variation, residue mobility, and thermodynamic stability) performed at Invitae indicates that this missense variant is not expected to disrupt WNK1 protein function. This variant has not been reported in the literature in individuals affected with WNK1-related conditions. This sequence change replaces serine, which is neutral and polar, with leucine, which is neutral and non-polar, at codon 2254 of the WNK1 protein (p.Ser2254Leu).

NM_018979.4(WNK1):c.6005C>T (p.Ser2002Leu)

Gene: WNK1 (WNK lysine deficient protein kinase 1; plus strand). Cytogenetic location: 12p13.33.
Variant type: single nucleotide variant.
Coding change: c.6005C>T on transcript NM_018979.4 (MANE Select); coding-DNA position 6005, C replaced by T.
Protein change: p.Ser2002Leu; replaces serine 2002 with leucine.
Molecular consequence: missense variant.
Genome position (GRCh38, 1-based): chr12:896,492, C>T. VCF-style: chr12-896492-C-T. GRCh37 (hg19) VCF-style: chr12-1005658-C-T.
Other names: c.6785C>T, p.Ser2262Leu (NM_001184985.2); c.5261C>T, p.Ser1754Leu (NM_014823.3); c.6761C>T, p.Ser2254Leu (NM_213655.5); short protein forms S2254L, S2262L, S1754L, S2002L.
Identifiers: ClinVar variation 2932933 (VCV002932933.3), dbSNP rs1954742091, ClinGen allele CA383336095.